The following is an entry in ClinVar:

ClinVar aggregate classification (germline): Uncertain significance (1 of 4 stars; one submission).

Submission:

Labcorp Genetics (formerly Invitae), Labcorp
Classification: Uncertain significance. Last evaluated: 2025-08-18. Review status: criteria provided, single submitter. Criteria: Invitae Variant Classification Sherloc (09022015). Collection method: clinical testing. Allele origin: germline.
Comment: This sequence change replaces lysine, which is basic and polar, with glutamic acid, which is acidic and polar, at codon 293 of the ADGRE2 protein (p.Lys293Glu). This variant is not present in population databases (gnomAD no frequency). This variant has not been reported in the literature in individuals affected with ADGRE2-related conditions. An algorithm developed to predict the effect of missense changes on protein structure and function (PolyPhen-2) suggests that this variant is likely to be tolerated. In summary, the available evidence is currently insufficient to determine the role of this variant in disease. Therefore, it has been classified as a Variant of Uncertain Significance.

NM_013447.4(ADGRE2):c.877A>G (p.Lys293Glu)

Gene: ADGRE2 (adhesion G protein-coupled receptor E2; minus strand). Cytogenetic location: 19p13.12.
Variant type: single nucleotide variant.
Coding change: c.877A>G on transcript NM_013447.4 (MANE Select); coding-DNA position 877, A replaced by G.
Protein change: p.Lys293Glu; replaces lysine 293 with glutamic acid.
Molecular consequence: missense variant.
Genome position (GRCh38, 1-based): chr19:14,765,349, T>C on the plus strand (A>G on the coding strand, the complement: ADGRE2 is on the minus strand). VCF-style: chr19-14765349-T-C. GRCh37 (hg19) VCF-style: chr19-14876161-T-C.
Other names: c.877A>G, p.Lys293Glu (NM_001271052.1); c.730A>G, p.Lys244Glu (NM_152916.2); c.598A>G, p.Lys200Glu (NM_152917.2); short protein forms K200E, K244E, K293E.
Identifiers: ClinVar variation 4709088 (VCV004709088.1).